The following is an entry in ClinVar:

ClinVar aggregate classification (germline): Uncertain significance (1 of 4 stars; one submission).

Allele frequency attached by ClinVar (database versions not stated): gnomAD exomes below 0.00001; gnomAD 0.00001; TOPMed 0.00002.
gnomAD v4.1: 3 of 1,612,902 alleles (0.00019%); highest among the groups gnomAD compares: African/African-American, 0.004%; no homozygotes.

Submission:

Labcorp Genetics (formerly Invitae), Labcorp
Classification: Uncertain significance. Last evaluated: 2024-01-01. Review status: criteria provided, single submitter. Criteria: Invitae Variant Classification Sherloc (09022015). Collection method: clinical testing. Allele origin: germline.
Comment: This sequence change replaces phenylalanine, which is neutral and non-polar, with leucine, which is neutral and non-polar, at codon 1495 of the TECTA protein (p.Phe1495Leu). This variant is not present in population databases (gnomAD no frequency). This variant has not been reported in the literature in individuals affected with TECTA-related conditions. Advanced modeling of protein sequence and biophysical properties (such as structural, functional, and spatial information, amino acid conservation, physicochemical variation, residue mobility, and thermodynamic stability) performed at Invitae indicates that this missense variant is not expected to disrupt TECTA protein function with a negative predictive value of 95%. In summary, the available evidence is currently insufficient to determine the role of this variant in disease. Therefore, it has been classified as a Variant of Uncertain Significance.

NM_005422.4(TECTA):c.4483T>C (p.Phe1495Leu)

Genes: TBCEL-TECTA (TBCEL-TECTA readthrough; plus strand), TECTA (tectorin alpha; plus strand). Cytogenetic location: 11q23.3.
Variant type: single nucleotide variant.
Coding change: c.4483T>C on transcript NM_005422.4 (MANE Select); coding-DNA position 4483, T replaced by C.
Protein change: p.Phe1495Leu; replaces phenylalanine 1495 with leucine.
Molecular consequence: missense variant.
Genome position (GRCh38, 1-based): chr11:121,158,018, T>C. VCF-style: chr11-121158018-T-C. GRCh37 (hg19) VCF-style: chr11-121028727-T-C.
Other names: c.5440T>C, p.Phe1814Leu (NM_001378761.1); short protein forms F1814L, F1495L.
Identifiers: ClinVar variation 2871429 (VCV002871429.3), dbSNP rs1476606785, ClinGen allele CA383027046.